The following is an entry in ClinVar:

NM_002471.4(MYH6):c.2407T>C (p.Phe803Leu)

Gene: MYH6 (myosin heavy chain 6; minus strand). Cytogenetic location: 14q11.2.
Variant type: single nucleotide variant.
Coding change: c.2407T>C on transcript NM_002471.4 (MANE Select); coding-DNA position 2407, T replaced by C.
Protein change: p.Phe803Leu; replaces phenylalanine 803 with leucine.
Molecular consequence: missense variant.
Genome position (GRCh38, 1-based): chr14:23,396,306, A>G on the plus strand (T>C on the coding strand, the complement: MYH6 is on the minus strand). VCF-style: chr14-23396306-A-G. GRCh37 (hg19) VCF-style: chr14-23865515-A-G.
Other names: short protein forms F803L.
Identifiers: ClinVar variation 1790820 (VCV001790820.2), dbSNP rs2502177278, ClinGen allele CA389016101.

ClinVar aggregate classification (germline): Uncertain significance (1 of 4 stars; one submission).

Conditions:
Cardiovascular phenotype. Identifiers: MedGen CN230736.

gnomAD v4.1: 1 of 1,614,004 alleles (0.000062%); no homozygotes.

Submission:

Ambry Genetics
Classification: Uncertain significance for Cardiovascular phenotype. Last evaluated: 2019-03-01. Review status: criteria provided, single submitter. Criteria: Ambry Variant Classification Scheme 2023. Collection method: clinical testing. Allele origin: germline.
Comment: The p.F803L variant (also known as c.2407T>C), located in coding exon 18 of the MYH6 gene, results from a T to C substitution at nucleotide position 2407. The phenylalanine at codon 803 is replaced by leucine, an amino acid with highly similar properties. This amino acid position is well conserved in available vertebrate species. In addition, the in silico prediction for this alteration is inconclusive. Since supporting evidence is limited at this time, the clinical significance of this alteration remains unclear.